The following is an entry in ClinVar:

ClinVar aggregate classification (germline): Uncertain significance (1 of 4 stars; one submission).

Conditions:
Neuropathy, hereditary sensory and autonomic, type 2A (HSAN2A). Also called: HSAN IIA; WNK1-Related HSAN2 (HSAN2A); ACROOSTEOLYSIS, GIACCAI TYPE; ACROOSTEOLYSIS, NEUROGENIC; MORVAN DISEASE; NEUROPATHY, CONGENITAL SENSORY. Identifiers: Orphanet 970, MedGen C2752089, MONDO:0024309, OMIM 201300.
Pseudohypoaldosteronism type 2C (PHA2C). Also called: Pseudohypoaldosteronism Type IIC. Identifiers: Orphanet 757, Orphanet 88940, MedGen C1840391, MONDO:0013778, OMIM 614492.

Submission:

Labcorp Genetics (formerly Invitae), Labcorp
Classification: Uncertain significance for Neuropathy, hereditary sensory and autonomic, type 2A; Pseudohypoaldosteronism type 2C. Last evaluated: 2024-05-04. Review status: criteria provided, single submitter. Criteria: Invitae Variant Classification Sherloc (09022015). Collection method: clinical testing. Allele origin: germline.
Comment: This variant, c.3830_3850dup, results in the insertion of 7 amino acid(s) of the WNK1 protein (p.Ala1277_Gln1283dup), but otherwise preserves the integrity of the reading frame. This variant is not present in population databases (gnomAD no frequency). This variant has not been reported in the literature in individuals affected with WNK1-related conditions. In summary, the available evidence is currently insufficient to determine the role of this variant in disease. Therefore, it has been classified as a Variant of Uncertain Significance.

NM_018979.4(WNK1):c.2336_2356dup (p.Gln785_Val786insAlaProGlnValLeuProGln)

Gene: WNK1 (WNK lysine deficient protein kinase 1; plus strand). Cytogenetic location: 12p13.33.
Variant type: Duplication.
Coding change: c.2336_2356dup on transcript NM_018979.4 (MANE Select); coding-DNA positions 2336 to 2356, 21 bases duplicated (CTCCACAAGTCTTGCCTCAAG).
Protein change: p.Gln785_Val786insAlaProGlnValLeuProGln.
Molecular consequence: inframe insertion.
Genome position (GRCh38, 1-based): chr12:878,324-878,344, CTCCACAAGTCTTGCCTCAAG duplicated; duplicating any 21 consecutive bases within chr12:878,316-878,344 gives the same sequence; the c. name uses the placement nearest the transcript's 3' end. VCF-style (leftmost placement, unchanged base first): chr12-878315-A-AGCCTCAAGCTCCACAAGTCTT. GRCh37 (hg19) VCF-style: chr12-987481-A-AGCCTCAAGCTCCACAAGTCTT.
Other names: c.3575_3595dup, p.Gln1198_Val1199insAlaProGlnValLeuProGln (NM_001184985.2); c.2333_2353dup, p.Gln784_Val785insAlaProGlnValLeuProGln (NM_014823.3); c.3830_3850dup, p.Gln1283_Val1284insAlaProGlnValLeuProGln (NM_213655.5).
Identifiers: ClinVar variation 3762934 (VCV003762934.2).
Genomic context (GRCh38, chr12:878,315, plus strand): 5'-AGTATTCACTTTCACAGACATCAACCTCCAGTGAGGCCACTACTGCACAGCCAGTGAGTC[A>AGCCTCAAGCTCCACAAGTCTT]GCCTCAAGCTCCACAAGTCTTGCCTCAAGTATCAGCTGGAAAACAGGTAAACTTTTTTTT-3'